The following is an entry in ClinVar:

NM_001367624.2(ZNF469):c.1532C>T (p.Pro511Leu)

Gene: ZNF469 (zinc finger protein 469; plus strand). Cytogenetic location: 16q24.2.
Variant type: single nucleotide variant.
Coding change: c.1532C>T on transcript NM_001367624.2 (MANE Select); coding-DNA position 1532, C replaced by T.
Protein change: p.Pro511Leu; replaces proline 511 with leucine.
Molecular consequence: missense variant.
Genome position (GRCh38, 1-based): chr16:88,429,002, C>T. VCF-style: chr16-88429002-C-T. GRCh37 (hg19) VCF-style: chr16-88495410-C-T.
Other names: NM_001127464.1:c.1532C>T; short protein forms P511L.
Identifiers: ClinVar variation 5032266 (VCV005032266.1).

ClinVar aggregate classification (germline): Uncertain significance (1 of 4 stars; one submission).

Conditions:
Cardiovascular phenotype. Identifiers: MedGen CN230736.

Submission:

Ambry Genetics
Classification: Uncertain significance for Cardiovascular phenotype. Last evaluated: 2026-08-29. Review status: criteria provided, single submitter. Criteria: Ambry Variant Classification Scheme 2023. Collection method: clinical testing. Allele origin: germline.
Comment: The p.P511L variant (also known as c.1532C>T), located in coding exon 1 of the ZNF469 gene, results from a C to T substitution at nucleotide position 1532. The proline at codon 511 is replaced by leucine, an amino acid with similar properties. This amino acid position is conserved. In addition, this alteration is predicted to be tolerated by in silico analysis. Based on the available evidence, the clinical significance of this variant remains unclear.